The following is an entry in ClinVar:

ClinVar aggregate classification (germline): Benign (1 of 4 stars; one submission).

Allele frequency attached by ClinVar (database versions not stated): TOPMed 0.51340; 1000 Genomes Project 0.51478; 1000 Genomes Project 30x 0.51530; gnomAD 0.51847 and 0.52278.
gnomAD v4.1: 78,634 of 151,840 alleles (52%); highest among the groups gnomAD compares: African/African-American, 70%; 21,517 homozygotes.

Submission:

GeneDx
Classification: Benign. Last evaluated: 2018-06-14. Review status: criteria provided, single submitter. Criteria: GeneDx Variant Classification (06012015). Collection method: clinical testing. Allele origin: germline. Affected: yes.
Comment: This variant is considered likely benign or benign based on one or more of the following criteria: it is a conservative change, it occurs at a poorly conserved position in the protein, it is predicted to be benign by multiple in silico algorithms, and/or has population frequency not consistent with disease.

NM_004239.4(TRIP11):c.5160+195G>A

Gene: TRIP11 (thyroid hormone receptor interactor 11; minus strand). Cytogenetic location: 14q32.12.
Variant type: single nucleotide variant.
Coding change: c.5160+195G>A on transcript NM_004239.4 (MANE Select); 195 bases into the intron after coding-DNA position 5160, G replaced by A.
Molecular consequence: intron variant.
Genome position (GRCh38, 1-based): chr14:91,993,614, C>T on the plus strand (G>A on the coding strand, the complement: TRIP11 is on the minus strand). VCF-style: chr14-91993614-C-T. GRCh37 (hg19) VCF-style: chr14-92459958-C-T.
Other names: c.5157+195G>A (NM_001321851.1).
Identifiers: ClinVar variation 667809 (VCV000667809.1), dbSNP rs8007661, ClinGen allele CA13968793.